The following is an entry in ClinVar:

ClinVar aggregate classification (germline): Uncertain significance. Review status: criteria provided, multiple submitters, no conflicts (2 of 4 stars). 3 submissions from 3 submitters: Uncertain significance (3). Last evaluated 2025-10-03.

Conditions:
Epiphyseal dysplasia, multiple, 3 (EDM3). Also called: Epiphyseal dysplasia, multiple, 3, with or without myopathy; COL9A3-Related Multiple Epiphyseal Dysplasia. Identifiers: MedGen C1832998, MONDO:0010964, OMIM 600969.
Stickler syndrome, type 6. Also called: Stickler syndrome, type VI; Stickler syndrome, IIa 6. Identifiers: MedGen C5774207, MONDO:0031047, OMIM 620022.
Intervertebral disc disorder (IDD). Also called: Lumbar disk degenerative disorder; INTERVERTEBRAL DISC DISEASE. Identifiers: MedGen C0158252, MONDO:0044339, OMIM 603932.

Submissions (3):

Labcorp Genetics (formerly Invitae), Labcorp
Classification: Uncertain significance. Last evaluated: 2025-10-03. Review status: criteria provided, single submitter. Criteria: Invitae Variant Classification Sherloc (09022015). Collection method: clinical testing. Allele origin: germline.
Comment: This variant, c.240_248del, results in the deletion of 3 amino acid(s) of the COL9A3 protein (p.Leu81_Gly83del), but otherwise preserves the integrity of the reading frame. This variant is present in population databases (rs758517077, gnomAD 0.01%). This variant has not been reported in the literature in individuals affected with COL9A3-related conditions. ClinVar contains an entry for this variant (Variation ID: 1016227). In summary, the available evidence is currently insufficient to determine the role of this variant in disease. Therefore, it has been classified as a Variant of Uncertain Significance.

GeneDx
Classification: Uncertain significance. Last evaluated: 2025-10-01. Review status: criteria provided, single submitter. Criteria: GeneDx Variant Classification Process June 2021. Collection method: clinical testing. Allele origin: germline.
Comment: Has not been previously published as pathogenic or benign to our knowledge; In-frame deletion of 3 amino acids in a non-repeat region; In silico analysis supports a deleterious effect on protein structure/function

Fulgent Genetics
Classification: Uncertain significance for Epiphyseal dysplasia, multiple, 3; Intervertebral disc disorder; Stickler syndrome, type 6. Last evaluated: 2024-03-12. Review status: criteria provided, single submitter. Criteria: ACMG Guidelines, 2015. Collection method: clinical testing. Allele origin: germline.

NM_001853.4(COL9A3):c.240_248del (p.78LPG[1])

Gene: COL9A3 (collagen type IX alpha 3 chain; plus strand). Cytogenetic location: 20q13.33.
Variant type: Deletion.
Coding change: c.240_248del on transcript NM_001853.4 (MANE Select); coding-DNA positions 240 to 248, 9 bases deleted (ACTGCCGGG; older notation c.240_248delACTGCCGGG).
Protein change: p.78LPG[1].
Molecular consequence: inframe deletion.
Genome position (GRCh38, 1-based): chr20:62,819,278-62,819,286, ACTGCCGGG deleted; deleting any 9 consecutive bases within chr20:62,819,270-62,819,286 gives the same sequence; the c. name uses the placement nearest the transcript's 3' end. VCF-style (leftmost placement, unchanged base first): chr20-62819269-GCTGCCGGGA-G. GRCh37 (hg19) VCF-style: chr20-61450621-GCTGCCGGGA-G.
Identifiers: ClinVar variation 1016227 (VCV001016227.12), dbSNP rs758517077, ClinGen allele CA9949075.